The following is an entry in ClinVar:

ClinVar aggregate classification (germline): Uncertain significance (1 of 4 stars; one submission).

Conditions:
Mucopolysaccharidosis, MPS-IV-A (MPS4A). Also called: Morquio syndrome A, mild; MORQUIO SYNDROME A; GALACTOSAMINE-6-SULFATASE DEFICIENCY; GALNS DEFICIENCY; MORQUIO A DISEASE; Mucopolysaccharidosis type IV A. Identifiers: Orphanet 309297, Orphanet 582, MedGen C0086651, MONDO:0009659, OMIM 253000.

gnomAD v4.1: 2 of 1,613,780 alleles (0.00012%); highest among the groups gnomAD compares: Non-Finnish European, 0.00017%; no homozygotes.

Submission:

Neuberg Centre For Genomic Medicine, NCGM
Classification: Uncertain significance for Mucopolysaccharidosis, MPS-IV-A. Review status: criteria provided, single submitter. Criteria: ACMG Guidelines, 2015. Collection method: clinical testing. Allele origin: germline. Inheritance: Autosomal recessive inheritance. Affected: yes.
Comment: The observed missense c.913C>A (p.Pro305Thr) variant in GALNS gene has not been reported previously as a pathogenic variant nor as a benign variant, to our knowledge. The p.Pro305Thr variant is absent in gnomAD Exomes. This variant has not been submitted to the ClinVar database. Multiple lines of computational evidence (Polyphen - Probably damaging, SIFT - Tolerated and Mutation Taster - Disease causing) predicts conflicting evidence on protein structure and function for this variant. The reference amino acid at this position on GALNS gene is predicted as conserved by GERP++ and PhyloP across 100 vertebrates. The amino acid Pro at position 305 is changed to a Thr changing protein sequence and it might alter its composition and physico-chemical properties. For these reasons, this variant has been classified as Variant of Uncertain Significance (VUS).

NM_000512.5(GALNS):c.913C>A (p.Pro305Thr)

Gene: GALNS (galactosamine (N-acetyl)-6-sulfatase; minus strand). Cytogenetic location: 16q24.3.
Variant type: single nucleotide variant.
Coding change: c.913C>A on transcript NM_000512.5 (MANE Select); coding-DNA position 913, C replaced by A.
Protein change: p.Pro305Thr; replaces proline 305 with threonine.
Molecular consequence: missense variant.
Genome position (GRCh38, 1-based): chr16:88,832,087, G>T on the plus strand (C>A on the coding strand, the complement: GALNS is on the minus strand). VCF-style: chr16-88832087-G-T. GRCh37 (hg19) VCF-style: chr16-88898495-G-T.
Other names: c.358C>A, p.Pro120Thr (NM_001323543.2); c.931C>A, p.Pro311Thr (NM_001323544.2); short protein forms P120T, P305T, P311T.
Identifiers: ClinVar variation 3603273 (VCV003603273.1).